The following is an entry in ClinVar:

NM_006329.4(FBLN5):c.-411A>G

Gene: FBLN5 (fibulin 5; minus strand). Cytogenetic location: 14q32.12.
Variant type: single nucleotide variant.
Coding change: c.-411A>G on transcript NM_006329.4 (MANE Select); 411 bases upstream of the start codon, A replaced by G.
Molecular consequence: 5 prime UTR variant.
Genome position (GRCh38, 1-based): chr14:91,947,640, T>C on the plus strand (A>G on the coding strand, the complement: FBLN5 is on the minus strand). VCF-style: chr14-91947640-T-C. GRCh37 (hg19) VCF-style: chr14-92413984-T-C.
Other names: c.-411A>G (NM_001384158.1, NM_001384160.1); c.-680A>G (NM_001384161.1, NM_001384162.1).
Identifiers: ClinVar variation 314888 (VCV000314888.5), dbSNP rs143296045, ClinGen allele CA10641289.
Genomic context (GRCh38, chr14:91,947,640, plus strand): 5'-CAACTGGCTAGACTCCTCACAACAATCTTGGGGCGTCTGCCAGGGCCCAGTGCTCGGCGC[T>C]GGGAGGAGAGCCCTTCCCCGGCCGCGCTCGGCTGCGAGCGCCCGGGCAGAAGGCGAGGGG-3'

ClinVar aggregate classification (germline): Benign/Likely benign. Review status: criteria provided, single submitter (1 of 4 stars). 2 submissions from 1 submitter: Benign (1); Likely benign (1). Last evaluated 2018-01-13.

Conditions:
Cutis laxa. Identifiers: Orphanet 209, MedGen C0010495, MONDO:0016175, HP:0000973.
Macular degeneration, age-related, 3 (ARMD3). Identifiers: Orphanet 280598, MedGen C1837187, MONDO:0012145, OMIM 608895.

Allele frequency attached by ClinVar (database versions not stated): 1000 Genomes Project 0.00100; 1000 Genomes Project 30x 0.00172; gnomAD exomes 0.00172; TOPMed 0.00178; gnomAD 0.00237 and 0.00240.
gnomAD v4.1: 425 of 191,166 alleles (0.22%); highest among the groups gnomAD compares: Non-Finnish European, 0.28%; 2 homozygotes.

Submissions (2):

Illumina Laboratory Services, Illumina
Classification: Benign for Cutis laxa. Last evaluated: 2018-01-13. Review status: criteria provided, single submitter. Criteria: ICSL Variant Classification Criteria 13 December 2019. Collection method: clinical testing. Allele origin: germline.
Comment: This variant was observed in the ICSL laboratory as part of a predisposition screen in an ostensibly healthy population. It had not been previously curated by ICSL or reported in the Human Gene Mutation Database (HGMD: prior to June 1st, 2018), and was therefore a candidate for classification through an automated scoring system. Utilizing variant allele frequency, disease prevalence and penetrance estimates, and inheritance mode, an automated score was calculated to assess if this variant is too frequent to cause the disease. Based on the score and internal cut-off values, a variant classified as benign is not then subjected to further curation. The score for this variant resulted in a classification of benign for this disease.

Illumina Laboratory Services, Illumina
Classification: Likely benign for Macular degeneration, age-related, 3. Last evaluated: 2018-01-13. Review status: criteria provided, single submitter. Criteria: ICSL Variant Classification Criteria 13 December 2019. Collection method: clinical testing. Allele origin: germline.
Comment: This variant was observed in the ICSL laboratory as part of a predisposition screen in an ostensibly healthy population. It had not been previously curated by ICSL or reported in the Human Gene Mutation Database (HGMD: prior to June 1st, 2018), and was therefore a candidate for classification through an automated scoring system. Utilizing variant allele frequency, disease prevalence and penetrance estimates, and inheritance mode, an automated score was calculated to assess if this variant is too frequent to cause the disease. Based on the score and internal cut-off values, a variant classified as likely benign is not then subjected to further curation. The score for this variant resulted in a classification of likely benign for this disease.